The following is an entry in ClinVar:

ClinVar aggregate classification (germline): Uncertain significance. Review status: reviewed by expert panel (3 of 4 stars). 2 submissions from 2 submitters: Uncertain significance (1). 1 of the submissions does not count toward it. Last evaluated 2024-08-16.

Conditions:
Hereditary thrombocytopenia and hematologic cancer predisposition syndrome. Identifiers: Orphanet 71290, MedGen CN281654, MONDO:0011071.
Hereditary thrombocytopenia and hematological cancer predisposition syndrome associated with RUNX1. Also called: RUNX1 Familial Platelet Disorder with Associated Myeloid Malignancies; Familial Platelet Disorder with Propensity to Acute Myelogenous Leukemia; Familial thrombocytopenia with propensity to acute myelogenous leukemia; PLATELET DISORDER, ASPIRIN-LIKE. Identifiers: Orphanet 71290, MedGen C1832388, MeSH C563324, MONDO:0100083, OMIM 601399.

Submissions (2):

ClinGen Myeloid Malignancy Variant Curation Expert Panel
Classification: Uncertain significance for Hereditary thrombocytopenia and hematologic cancer predisposition syndrome. Last evaluated: 2024-08-16. Review status: reviewed by expert panel. Criteria: ClinGen MyeloMalig ACMG Specifications v2. Collection method: curation. Allele origin: germline. Inheritance: Autosomal dominant inheritance.
Comment: NM_001754.5(RUNX1):c.891C>A (p.His297Gln) is a missense variant which is completely absent from all population databases with at least 20x coverage for RUNX1 (PM2_Supporting). In summary, the clinical significance of this variant is uncertain. ACMG/AMP criteria applied, as specified by the Myeloid Malignancy Variant Curation Expert Panel for RUNX1: PM2_supporting.

Labcorp Genetics (formerly Invitae), Labcorp
Classification: Uncertain significance for Hereditary thrombocytopenia and hematological cancer predisposition syndrome associated with RUNX1. Last evaluated: 2022-02-25. Review status: criteria provided, single submitter. Criteria: Invitae Variant Classification Sherloc (09022015). Collection method: clinical testing. Allele origin: germline. Not counted in ClinVar's aggregate classification.
Comment: In summary, the available evidence is currently insufficient to determine the role of this variant in disease. Therefore, it has been classified as a Variant of Uncertain Significance. Algorithms developed to predict the effect of missense changes on protein structure and function (SIFT, PolyPhen-2, Align-GVGD) all suggest that this variant is likely to be tolerated. This variant has not been reported in the literature in individuals affected with RUNX1-related conditions. This variant is not present in population databases (gnomAD no frequency). This sequence change replaces histidine, which is basic and polar, with glutamine, which is neutral and polar, at codon 297 of the RUNX1 protein (p.His297Gln).

NM_001754.5(RUNX1):c.891C>A (p.His297Gln)

Gene: RUNX1 (RUNX family transcription factor 1; minus strand). Cytogenetic location: 21q22.12.
Variant type: single nucleotide variant.
Coding change: c.891C>A on transcript NM_001754.5 (MANE Select); coding-DNA position 891, C replaced by A.
Protein change: p.His297Gln; replaces histidine 297 with glutamine.
Molecular consequence: missense variant.
Genome position (GRCh38, 1-based): chr21:34,799,377, G>T on the plus strand (C>A on the coding strand, the complement: RUNX1 is on the minus strand). VCF-style: chr21-34799377-G-T. GRCh37 (hg19) VCF-style: chr21-36171674-G-T.
Other names: NM_001754.5(RUNX1):c.891C>A; p.His297Gln; c.810C>A, p.His270Gln (NM_001001890.3); short protein forms H297Q, H270Q.
Identifiers: ClinVar variation 1466670 (VCV001466670.7), dbSNP rs1235495225, ClinGen allele CA410149713.